The following is an entry in ClinVar:

ClinVar aggregate classification (germline): Uncertain significance (1 of 4 stars; one submission).

Conditions:
Hereditary cancer-predisposing syndrome. Also called: Neoplastic Syndromes, Hereditary; Tumor predisposition; Hereditary neoplastic syndrome; Hereditary Cancer Syndrome. Identifiers: Orphanet 140162, MedGen C0027672, MeSH D009386, MONDO:0015356.

Allele frequency attached by ClinVar (database versions not stated): gnomAD exomes below 0.00001; gnomAD 0.00001.

Submission:

Ambry Genetics
Classification: Uncertain significance for Hereditary cancer-predisposing syndrome. Last evaluated: 2025-06-18. Review status: criteria provided, single submitter. Criteria: Ambry Variant Classification Scheme 2023. Collection method: clinical testing. Allele origin: germline.
Comment: The c.-3G>A variant is located in the 5' untranslated region (5&rsquo; UTR) of the VHL gene. This variant results from a G to A substitution 3 bases upstream from the first translated codon. This nucleotide position is well conserved in available vertebrate species. Based on the available evidence, the clinical significance of this variant remains unclear.

NM_000551.4(VHL):c.-3G>A

Gene: VHL (von Hippel-Lindau tumor suppressor; plus strand). Cytogenetic location: 3p25.3.
Variant type: single nucleotide variant.
Coding change: c.-3G>A on transcript NM_000551.4 (MANE Select); 3 bases upstream of the start codon, G replaced by A.
Molecular consequence: 5 prime UTR variant.
Genome position (GRCh38, 1-based): chr3:10,141,845, G>A. VCF-style: chr3-10141845-G-A. GRCh37 (hg19) VCF-style: chr3-10183529-G-A.
Other names: c.-3G>A (NM_001354723.2, NM_198156.3).
Identifiers: ClinVar variation 824483 (VCV000824483.6), dbSNP rs902212096, ClinGen allele CA70042116.